The following is an entry in ClinVar:

ClinVar aggregate classification (germline): Pathogenic (1 of 4 stars; one submission).

Conditions:
Hyper-IgM syndrome type 1. Also called: CD40 Ligand Deficiency; X-linked hyper-IgM syndrome; Immunodeficiency, X-linked, with hyper-IgM; Hyper-IgM Immunodeficiency Syndrome, Type 1. Identifiers: Orphanet 101088, MedGen C0398689, MONDO:0010626, OMIM 308230.

Submission:

Labcorp Genetics (formerly Invitae), Labcorp
Classification: Pathogenic for Hyper-IgM syndrome type 1. Last evaluated: 2023-09-19. Review status: criteria provided, single submitter. Criteria: Invitae Variant Classification Sherloc (09022015). Collection method: clinical testing. Allele origin: germline.
Comment: This sequence change creates a premature translational stop signal (p.Gly234Valfs*8) in the CD40LG gene. While this is not anticipated to result in nonsense mediated decay, it is expected to disrupt the last 28 amino acid(s) of the CD40LG protein. This variant is not present in population databases (gnomAD no frequency). This variant has not been reported in the literature in individuals affected with CD40LG-related conditions. This variant disrupts a region of the CD40LG protein in which other variant(s) (p.Gly257Asp) have been determined to be pathogenic (PMID: 10366125; Invitae). This suggests that this is a clinically significant region of the protein, and that variants that disrupt it are likely to be disease-causing. For these reasons, this variant has been classified as Pathogenic.

Literature cited by the submitters: PubMed 10366125.

NM_000074.3(CD40LG):c.701del (p.Gly234fs)

Gene: CD40LG (CD40 ligand; plus strand). Cytogenetic location: Xq26.3.
Variant type: Deletion.
Coding change: c.701del on transcript NM_000074.3 (MANE Select); coding-DNA position 701, one base deleted (G; older notation c.701delG).
Protein change: p.Gly234fs; shifts the reading frame from glycine 234.
Molecular consequence: frameshift variant.
Genome position (GRCh38, 1-based): chrX:136,659,330, G deleted; the last of 2 consecutive G bases (chrX:136,659,329-136,659,330); deleting either gives the same sequence. VCF-style (leftmost placement, unchanged base first): chrX-136659328-AG-A. GRCh37 (hg19) VCF-style: chrX-135741487-AG-A.
Other names: short protein forms G234fs.
Identifiers: ClinVar variation 2745837 (VCV002745837.3), dbSNP rs2522118504, ClinGen allele CA2697544767.